The following is an entry in ClinVar:

NM_001999.4(FBN2):c.2863G>A (p.Asp955Asn)

Gene: FBN2 (fibrillin 2; minus strand). Cytogenetic location: 5q23.3.
Variant type: single nucleotide variant.
Coding change: c.2863G>A on transcript NM_001999.4 (MANE Select); coding-DNA position 2863, G replaced by A.
Protein change: p.Asp955Asn; replaces aspartic acid 955 with asparagine.
Molecular consequence: missense variant.
Genome position (GRCh38, 1-based): chr5:128,349,955, C>T on the plus strand (G>A on the coding strand, the complement: FBN2 is on the minus strand). VCF-style: chr5-128349955-C-T. GRCh37 (hg19) VCF-style: chr5-127685647-C-T.
Other names: short protein forms D955N.
Identifiers: ClinVar variation 3630876 (VCV003630876.2).

ClinVar aggregate classification (germline): Uncertain significance (1 of 4 stars; one submission).

Conditions:
Congenital contractural arachnodactyly (CCA). Also called: BEALS SYNDROME; Arthrogryposis, distal, type 9; Beals-Hecht syndrome. Identifiers: Orphanet 115, MedGen C0220668, MONDO:0007363, OMIM 121050.

Submission:

Labcorp Genetics (formerly Invitae), Labcorp
Classification: Uncertain significance for Congenital contractural arachnodactyly. Last evaluated: 2024-06-22. Review status: criteria provided, single submitter. Criteria: Invitae Variant Classification Sherloc (09022015). Collection method: clinical testing. Allele origin: germline.
Comment: This sequence change replaces aspartic acid, which is acidic and polar, with asparagine, which is neutral and polar, at codon 955 of the FBN2 protein (p.Asp955Asn). This variant also falls at the last nucleotide of exon 22, which is part of the consensus splice site for this exon. This variant is not present in population databases (gnomAD no frequency). This variant has not been reported in the literature in individuals affected with FBN2-related conditions. An algorithm developed to predict the effect of missense changes on protein structure and function (PolyPhen-2) suggests that this variant is likely to be disruptive. Variants that disrupt the consensus splice site are a relatively common cause of aberrant splicing (PMID: 17576681, 9536098). Algorithms developed to predict the effect of sequence changes on RNA splicing suggest that this variant may disrupt the consensus splice site. In summary, the available evidence is currently insufficient to determine the role of this variant in disease. Therefore, it has been classified as a Variant of Uncertain Significance.

Literature cited by the submitters: PubMed 17576681; PubMed 9536098.